The following is an entry in ClinVar:

NM_000135.4(FANCA):c.2478G>A (p.Thr826=)

Gene: FANCA (FA complementation group A; minus strand). Cytogenetic location: 16q24.3.
Variant type: single nucleotide variant.
Coding change: c.2478G>A on transcript NM_000135.4 (MANE Select); coding-DNA position 2478, G replaced by A.
Protein change: p.Thr826=; no amino-acid change (threonine 826 retained).
Molecular consequence: synonymous variant.
Genome position (GRCh38, 1-based): chr16:89,769,863, C>T on the plus strand (G>A on the coding strand, the complement: FANCA is on the minus strand). VCF-style: chr16-89769863-C-T. GRCh37 (hg19) VCF-style: chr16-89836271-C-T.
Other names: p.Thr826=; c.2478G>A (LRG_495t1, NM_000135.3); c.2478G>A, p.Thr826= (NM_001286167.3).
Identifiers: ClinVar variation 414833 (VCV000414833.25), dbSNP rs147283549, ClinGen allele CA8251719.

ClinVar aggregate classification (germline): Benign/Likely benign. Review status: criteria provided, multiple submitters, no conflicts (2 of 4 stars). 7 submissions from 7 submitters: Benign (1); Likely benign (5). 1 of the submissions does not count toward it. Last evaluated 2026-01-14.

Conditions:
FANCA-related disorder. Also called: FANCA-related condition.
Inborn genetic diseases. Identifiers: MedGen C0950123, MeSH D030342.
Fanconi anemia (FA). Also called: Fanconi's anemia. Identifiers: Orphanet 84, MedGen C0015625, MeSH D005199, MONDO:0019391.

Allele frequency attached by ClinVar (database versions not stated): ExAC 0.00008; gnomAD exomes 0.00008; gnomAD 0.00030 and 0.00031; ESP Exome Variant Server 0.00031; TOPMed 0.00043; 1000 Genomes Project 30x 0.00078; 1000 Genomes Project 0.00080.
gnomAD v4.1: 102 of 1,614,120 alleles (0.0063%); highest among the groups gnomAD compares: African/African-American, 0.12%; no homozygotes.

Submissions (7):

Labcorp Genetics (formerly Invitae), Labcorp
Classification: Likely benign for Fanconi anemia. Last evaluated: 2026-01-14. Review status: criteria provided, single submitter. Criteria: Invitae Variant Classification Sherloc (09022015). Collection method: clinical testing. Allele origin: germline.

Mayo Clinic Laboratories, Mayo Clinic
Classification: Likely benign. Last evaluated: 2025-09-17. Review status: criteria provided, single submitter. Criteria: ACMG Guidelines, 2015. Collection method: clinical testing. Allele origin: germline. Observed: 1 variant allele.
Comment: BP4, BP7

CeGaT Center for Human Genetics Tuebingen
Classification: Likely benign. Last evaluated: 2025-09-01. Review status: criteria provided, single submitter. Criteria: CeGaT Center For Human Genetics Tuebingen Variant Classification Criteria Version 2. Collection method: clinical testing. Allele origin: germline. Affected: yes. Observed: 1 variant allele.
Comment: FANCA: BP4, BP7

Ambry Genetics
Classification: Likely benign for Inborn genetic diseases. Last evaluated: 2024-11-25. Review status: criteria provided, single submitter. Criteria: Ambry Variant Classification Scheme 2023. Collection method: clinical testing. Allele origin: germline.

Blueprint Genetics
Classification: Likely benign. Last evaluated: 2024-08-12. Review status: criteria provided, single submitter. Criteria: ACMG Guidelines, 2015. Collection method: clinical testing. Allele origin: germline.

Quest Diagnostics Nichols Institute San Juan Capistrano
Classification: Benign. Last evaluated: 2022-09-15. Review status: criteria provided, single submitter. Criteria: Quest Diagnostics criteria. Collection method: clinical testing. Allele origin: unknown.

PreventionGenetics, part of Exact Sciences
Classification: Likely benign for FANCA-related condition. Last evaluated: 2020-03-25. Review status: no assertion criteria provided. Collection method: clinical testing. Allele origin: germline. Not counted in ClinVar's aggregate classification.
Comment: This variant is classified as likely benign based on ACMG/AMP sequence variant interpretation guidelines (Richards et al. 2015 PMID: 25741868, with internal and published modifications).